The following is an entry in ClinVar:

ClinVar aggregate classification (germline): Uncertain significance (1 of 4 stars; one submission).

Conditions:
Hereditary cancer-predisposing syndrome. Also called: Hereditary Cancer Syndrome; Hereditary neoplastic syndrome; Neoplastic Syndromes, Hereditary; Tumor predisposition. Identifiers: Orphanet 140162, MedGen C0027672, MeSH D009386, MONDO:0015356.

Submission:

Ambry Genetics
Classification: Uncertain significance for Hereditary cancer-predisposing syndrome. Last evaluated: 2021-12-11. Review status: criteria provided, single submitter. Criteria: Ambry Variant Classification Scheme 2023. Collection method: clinical testing. Allele origin: germline.
Comment: The p.L1517I variant (also known as c.4549C>A), located in coding exon 13 of the BRCA1 gene, results from a C to A substitution at nucleotide position 4549. The leucine at codon 1517 is replaced by isoleucine, an amino acid with highly similar properties. This amino acid position is conserved. In addition, the in silico prediction for this alteration is inconclusive. Since supporting evidence is limited at this time, the clinical significance of this alteration remains unclear.

NM_007294.4(BRCA1):c.4549C>A (p.Leu1517Ile)

Gene: BRCA1 (BRCA1 DNA repair associated; minus strand). Cytogenetic location: 17q21.31.
Variant type: single nucleotide variant.
Coding change: c.4549C>A on transcript NM_007294.4 (MANE Select); coding-DNA position 4549, C replaced by A.
Protein change: p.Leu1517Ile; replaces leucine 1517 with isoleucine.
Molecular consequence: missense variant. On other transcripts: non-coding transcript variant (1).
Genome position (GRCh38, 1-based): chr17:43,074,457, G>T on the plus strand (C>A on the coding strand, the complement: BRCA1 is on the minus strand). VCF-style: chr17-43074457-G-T. GRCh37 (hg19) VCF-style: chr17-41226474-G-T.
Other names: c.4546C>A, p.Leu1516Ile (NM_001407618.1, NM_001407619.1, NM_001407615.1 and 17 more transcripts); c.4282C>A, p.Leu1428Ile (NM_001407933.1, NM_001407927.1, NM_001407928.1 and 4 more transcripts); c.4279C>A, p.Leu1427Ile (NM_001407935.1, NM_001407936.1, NM_001407934.1); c.4426C>A, p.Leu1476Ile (NM_001407937.1, NM_001407919.1, NM_001407938.1 and 6 more transcripts); c.4339C>A, p.Leu1447Ile (NM_001407879.1, NM_001407881.1, NM_001407882.1 and 5 more transcripts); c.4336C>A, p.Leu1446Ile (NM_001407894.1, NM_001407895.1, NM_001407896.1 and 12 more transcripts); c.4333C>A, p.Leu1445Ile (NM_001407915.1, NM_001407916.1, NM_001407917.1 and 1 more transcripts); c.4285C>A, p.Leu1429Ile (NM_001407920.1, NM_001407921.1, NM_001407922.1 and 4 more transcripts); and 68 more; short protein forms L1390I, L1406I, L1450I, L1468I, L1469I, L1474I, L1491I, L1498I.
Identifiers: ClinVar variation 1741398 (VCV001741398.2), dbSNP rs137894496, ClinGen allele CA10592418.